The following is an entry in ClinVar:

ClinVar aggregate classification (germline): Uncertain significance (1 of 4 stars; one submission).

Conditions:
HSPD1-related disorder. Also called: HSPD1-related condition.

Submission:

PreventionGenetics, part of Exact Sciences
Classification: Uncertain significance for HSPD1-related condition. Last evaluated: 2023-05-11. Review status: criteria provided, single submitter. Criteria: ACMG Guidelines, 2015. Collection method: clinical testing. Allele origin: germline.
Comment: The HSPD1 c.1612_1613delCT variant is predicted to result in a frameshift and premature protein termination (p.Leu538Valfs*13). To our knowledge, this variant has not been reported in the literature. Loss of function is not an established mechanism of HSPD1-related disease. This variant is reported in 0.00089% of alleles in individuals of European (Non-Finnish) descent in gnomAD. At this time, the clinical significance of this variant is uncertain due to the absence of conclusive functional and genetic evidence.

NM_002156.5(HSPD1):c.1612_1613del (p.Leu538fs)

Gene: HSPD1 (heat shock protein family D (Hsp60) member 1; minus strand). Cytogenetic location: 2q33.1.
Variant type: Microsatellite.
Coding change: c.1612_1613del on transcript NM_002156.5 (MANE Select); coding-DNA positions 1612 to 1613, 2 bases deleted (CT; older notation c.1612_1613delCT).
Protein change: p.Leu538fs; shifts the reading frame from leucine 538.
Molecular consequence: frameshift variant.
Genome position (GRCh38, 1-based): chr2:197,487,155-197,487,156, AG deleted on the plus strand (CT on the coding strand, the reverse complement: HSPD1 is on the minus strand); deleting any 2 consecutive bases within chr2:197,487,155-197,487,160 gives the same sequence; the c. name uses the placement nearest the transcript's 3' end. VCF-style (leftmost placement, unchanged base first): chr2-197487154-CAG-C. GRCh37 (hg19) VCF-style: chr2-198351878-CAG-C.
Other names: c.1612_1613del, p.Leu538fs (NM_199440.2); short protein forms L538fs.
Identifiers: ClinVar variation 2633904 (VCV002633904.1), dbSNP rs772837296, ClinGen allele CA2043314.